The following is an entry in ClinVar:

ClinVar aggregate classification (germline): Conflicting classifications of pathogenicity. Review status: criteria provided, conflicting classifications (1 of 4 stars). 3 submissions from 3 submitters: Uncertain significance (2); Likely benign (1). Last evaluated 2026-02-05.

Conditions:
Inborn genetic diseases. Identifiers: MedGen C0950123, MeSH D030342.

Allele frequency attached by ClinVar (database versions not stated): ExAC 0.00001; TOPMed 0.00001; gnomAD exomes 0.00003.

Submissions (3):

GeneDx
Classification: Uncertain significance. Last evaluated: 2026-02-05. Review status: criteria provided, single submitter. Criteria: GeneDx Variant Classification Process June 2021. Collection method: clinical testing. Allele origin: germline. Affected: yes.
Comment: Has not been previously published as pathogenic or benign to our knowledge; In silico analysis supports that this missense variant has a deleterious effect on protein structure/function

Labcorp Genetics (formerly Invitae), Labcorp
Classification: Likely benign. Last evaluated: 2025-12-24. Review status: criteria provided, single submitter. Criteria: Invitae Variant Classification Sherloc (09022015). Collection method: clinical testing. Allele origin: germline.

Ambry Genetics
Classification: Uncertain significance for Inborn genetic diseases. Last evaluated: 2025-03-03. Review status: criteria provided, single submitter. Criteria: Ambry Variant Classification Scheme 2023. Collection method: clinical testing. Allele origin: germline.

NM_080680.3(COL11A2):c.2033C>A (p.Pro678Gln)

Gene: COL11A2 (collagen type XI alpha 2 chain; minus strand). Cytogenetic location: 6p21.32.
Variant type: single nucleotide variant.
Coding change: c.2033C>A on transcript NM_080680.3 (MANE Select); coding-DNA position 2033, C replaced by A.
Protein change: p.Pro678Gln; replaces proline 678 with glutamine.
Molecular consequence: missense variant.
Genome position (GRCh38, 1-based): chr6:33,177,029, G>T on the plus strand (C>A on the coding strand, the complement: COL11A2 is on the minus strand). VCF-style: chr6-33177029-G-T. GRCh37 (hg19) VCF-style: chr6-33144806-G-T.
Other names: c.1712C>A, p.Pro571Gln (NM_080679.3); c.1775C>A, p.Pro592Gln (NM_080681.3); c.1853C>A, p.Pro618Gln (NM_001424108.1); c.1187C>A, p.Pro396Gln (NM_001424109.1); c.1007C>A, p.Pro336Gln (NM_001424110.1, NM_001424111.1); c.-14C>A (NM_001424112.1); short protein forms P336Q, P396Q, P571Q, P592Q, P618Q, P678Q.
Identifiers: ClinVar variation 2581825 (VCV002581825.7), dbSNP rs756455152, ClinGen allele CA3751071.
Genomic context (GRCh38, chr6:33,177,029, plus strand): 5'-TTCGGAAGTGGGGTCCCACTCACCGGGGGTCCGTCTGAGCCAGGCATGCCGGGGAGCCCT[G>T]GCTTCCCTTGAGGACCCTGCAGGAAGACAAAGAGGCTCAGGGTCACTAGAGGGGTCATGT-3'
Protein context (NP_542411.2, residues 668-688): PHGEKGPQGK[Pro678Gln]GLPGMPGSDG